The following is an entry in ClinVar:

NM_012210.4(TRIM32):c.1354C>A (p.Leu452Ile)

Genes: ASTN2 (astrotactin 2; minus strand), TRIM32 (tripartite motif containing 32; plus strand). Cytogenetic location: 9q33.1.
Variant type: single nucleotide variant.
Coding change: c.1354C>A on transcript NM_012210.4 (MANE Select); coding-DNA position 1354, C replaced by A.
Protein change: p.Leu452Ile; replaces leucine 452 with isoleucine.
Molecular consequence: missense variant. On other transcripts: intron variant (3).
Genome position (GRCh38, 1-based): chr9:116,699,096, C>A. VCF-style: chr9-116699096-C-A. GRCh37 (hg19) VCF-style: chr9-119461375-C-A.
Other names: c.1354C>A, p.Leu452Ile (NM_001099679.2, NM_001379048.1, NM_001379049.1 and 1 more transcripts); c.2653+26675G>T (NM_014010.5); c.2794+26675G>T (NM_001365069.1); c.2806+26675G>T (NM_001365068.1); short protein forms L452I.
Identifiers: ClinVar variation 2141840 (VCV002141840.1), dbSNP rs747067557, ClinGen allele CA5211134.
Genomic context (GRCh38, chr9:116,699,096, plus strand): 5'-CTCTCAGTGGCAATGAACTGCCAGGGGCTGATTGGTGTGACTGACAGCTATGATAACTCC[C>A]TCAAGGTATATACCTTGGATGGCCACTGCGTGGCCTGTCACAGGAGCCAGCTGAGCAAAC-3'
Protein context (NP_036342.2, residues 442-462): IGVTDSYDNS[Leu452Ile]KVYTLDGHCV

ClinVar aggregate classification (germline): Uncertain significance (1 of 4 stars; one submission).

Conditions:
Bardet-Biedl syndrome (BBS). Identifiers: Orphanet 110, MedGen C0752166, MONDO:0015229.

gnomAD v4.1: 18 of 1,614,030 alleles (0.0011%); highest among the groups gnomAD compares: South Asian, 0.016%; 1 homozygote.

Submission:

Labcorp Genetics (formerly Invitae), Labcorp
Classification: Uncertain significance for Bardet-Biedl syndrome. Last evaluated: 2022-08-06. Review status: criteria provided, single submitter. Criteria: Invitae Variant Classification Sherloc (09022015). Collection method: clinical testing. Allele origin: germline.
Comment: This sequence change replaces leucine, which is neutral and non-polar, with isoleucine, which is neutral and non-polar, at codon 452 of the TRIM32 protein (p.Leu452Ile). This variant is present in population databases (rs747067557, gnomAD 0.02%). This variant has not been reported in the literature in individuals affected with TRIM32-related conditions. Algorithms developed to predict the effect of missense changes on protein structure and function (SIFT, PolyPhen-2, Align-GVGD) all suggest that this variant is likely to be tolerated. In summary, the available evidence is currently insufficient to determine the role of this variant in disease. Therefore, it has been classified as a Variant of Uncertain Significance.